The following is an entry in ClinVar:

ClinVar aggregate classification (germline): Uncertain significance (1 of 4 stars; one submission).

Conditions:
Primary ciliary dyskinesia. Also called: Ciliary dyskinesia. Identifiers: Orphanet 244, MedGen C0008780, MONDO:0016575, HP:0012265.

Allele frequency attached by ClinVar (database versions not stated): gnomAD exomes below 0.00001; ExAC 0.00001; TOPMed 0.00001.
gnomAD v4.1: 2 of 1,614,198 alleles (0.00012%); highest among the groups gnomAD compares: Admixed American, 0.0017%; no homozygotes.

Submission:

Labcorp Genetics (formerly Invitae), Labcorp
Classification: Uncertain significance for Primary ciliary dyskinesia. Last evaluated: 2021-06-23. Review status: criteria provided, single submitter. Criteria: Invitae Variant Classification Sherloc (09022015). Collection method: clinical testing. Allele origin: germline.
Comment: In summary, the available evidence is currently insufficient to determine the role of this variant in disease. Therefore, it has been classified as a Variant of Uncertain Significance. Algorithms developed to predict the effect of missense changes on protein structure and function are either unavailable or do not agree on the potential impact of this missense change (SIFT: "Tolerated"; PolyPhen-2: "Possibly Damaging"; Align-GVGD: "Class C0"). This variant has not been reported in the literature in individuals with DNAAF1-related conditions. This variant is present in population databases (rs774702739, ExAC 0.009%). This sequence change replaces leucine with valine at codon 603 of the DNAAF1 protein (p.Leu603Val). The leucine residue is moderately conserved and there is a small physicochemical difference between leucine and valine.

NM_178452.6(DNAAF1):c.1807C>G (p.Leu603Val)

Gene: DNAAF1 (dynein axonemal assembly factor 1; plus strand). Cytogenetic location: 16q24.1.
Variant type: single nucleotide variant.
Coding change: c.1807C>G on transcript NM_178452.6 (MANE Select); coding-DNA position 1807, C replaced by G.
Protein change: p.Leu603Val; replaces leucine 603 with valine.
Molecular consequence: missense variant.
Genome position (GRCh38, 1-based): chr16:84,176,041, C>G. VCF-style: chr16-84176041-C-G. GRCh37 (hg19) VCF-style: chr16-84209647-C-G.
Other names: c.1099C>G, p.Leu367Val (NM_001318756.1); short protein forms L603V, L367V.
Identifiers: ClinVar variation 1402998 (VCV001402998.8), dbSNP rs774702739, ClinGen allele CA8203037.